The following is an entry in ClinVar:

ClinVar aggregate classification (germline): Uncertain significance. Review status: criteria provided, multiple submitters, no conflicts (2 of 4 stars). 2 submissions from 2 submitters: Uncertain significance (2). Last evaluated 2024-08-13.

Conditions:
Gorlin syndrome. Also called: Basal cell nevus syndrome; Nevoid Basal Cell Carcinoma Syndrome. Identifiers: Orphanet 377, MedGen C0004779, MONDO:0007187.
Hereditary cancer-predisposing syndrome. Also called: Neoplastic Syndromes, Hereditary; Tumor predisposition; Hereditary neoplastic syndrome; Hereditary Cancer Syndrome. Identifiers: Orphanet 140162, MedGen C0027672, MeSH D009386, MONDO:0015356.

Submissions (2):

Labcorp Genetics (formerly Invitae), Labcorp
Classification: Uncertain significance for Gorlin syndrome. Last evaluated: 2024-08-13. Review status: criteria provided, single submitter. Criteria: Invitae Variant Classification Sherloc (09022015). Collection method: clinical testing. Allele origin: germline.
Comment: This sequence change replaces isoleucine, which is neutral and non-polar, with threonine, which is neutral and polar, at codon 997 of the PTCH1 protein (p.Ile997Thr). This variant is not present in population databases (gnomAD no frequency). This variant has not been reported in the literature in individuals affected with PTCH1-related conditions. ClinVar contains an entry for this variant (Variation ID: 1798522). Advanced modeling of protein sequence and biophysical properties (such as structural, functional, and spatial information, amino acid conservation, physicochemical variation, residue mobility, and thermodynamic stability) performed at Invitae indicates that this missense variant is not expected to disrupt PTCH1 protein function with a negative predictive value of 95%. In summary, the available evidence is currently insufficient to determine the role of this variant in disease. Therefore, it has been classified as a Variant of Uncertain Significance.

Ambry Genetics
Classification: Uncertain significance for Hereditary cancer-predisposing syndrome. Last evaluated: 2021-05-20. Review status: criteria provided, single submitter. Criteria: Ambry Variant Classification Scheme 2023. Collection method: clinical testing. Allele origin: germline.
Comment: The p.I997T variant (also known as c.2990T>C), located in coding exon 18 of the PTCH1 gene, results from a T to C substitution at nucleotide position 2990. The isoleucine at codon 997 is replaced by threonine, an amino acid with similar properties. Designated T2990C, this alteration has been reported in a patient with meningioma (Xie J et al. Cancer Res, 1997 Jun;57:2369-72). This amino acid position is highly conserved in available vertebrate species. In addition, this alteration is predicted to be deleterious by in silico analysis. Since supporting evidence is limited at this time, the clinical significance of this alteration remains unclear.

Literature cited by the submitters: PubMed 9192811 (cited by Ambry Genetics).

NM_000264.5(PTCH1):c.2990T>C (p.Ile997Thr)

Gene: PTCH1 (patched 1; minus strand). Cytogenetic location: 9q22.32.
Variant type: single nucleotide variant.
Coding change: c.2990T>C on transcript NM_000264.5 (MANE Select); coding-DNA position 2990, T replaced by C.
Protein change: p.Ile997Thr; replaces isoleucine 997 with threonine.
Molecular consequence: missense variant. On other transcripts: non-coding transcript variant (1).
Genome position (GRCh38, 1-based): chr9:95,458,191, A>G on the plus strand (T>C on the coding strand, the complement: PTCH1 is on the minus strand). VCF-style: chr9-95458191-A-G. GRCh37 (hg19) VCF-style: chr9-98220473-A-G.
Other names: c.2792T>C, p.Ile931Thr (NM_001083602.3); c.2987T>C, p.Ile996Thr (NM_001083603.3); c.2537T>C, p.Ile846Thr (NM_001083604.3, NM_001083605.3, NM_001083606.3 and 1 more transcripts); c.2834T>C, p.Ile945Thr (NM_001354918.2); short protein forms I931T, I996T, I997T, I846T, I945T.
Identifiers: ClinVar variation 1798522 (VCV001798522.4), dbSNP rs2538068826, ClinGen allele CA374112629.
Genomic context (GRCh38, chr9:95,458,191, plus strand): 5'-AAGAGGAAGGGGTAGCCGTTGGGGTAACTGGACAGCCCCAGGCTCGTATAGTTGCTGCAG[A>G]TGGTCCTTACTTTTTCAATTGCCTCCACAAAGTCTGAGGTGTCCCGCAAGCCGTTGAGGT-3'
Protein context (NP_000255.2, residues 987-1007): FVEAIEKVRT[Ile997Thr]CSNYTSLGLS